The following is an entry in ClinVar:

ClinVar aggregate classification (germline): Benign/Likely benign. Review status: criteria provided, multiple submitters, no conflicts (2 of 4 stars). 10 submissions from 9 submitters: Benign (8); Likely benign (1). 1 of the submissions does not count toward it. Last evaluated 2026-08-01.

Conditions:
Retinitis pigmentosa 39 (RP39). Identifiers: Orphanet 791, MedGen C3151138, MONDO:0013436, OMIM 613809.
Usher syndrome type 2A. Also called: RETINAL DISEASE IN USHER SYNDROME TYPE IIA, MODIFIER OF; USHER SYNDROME, TYPE IIA. Identifiers: Orphanet 231178, Orphanet 886, MedGen C1848634, MONDO:0010169, OMIM 276901.

Allele frequency attached by ClinVar (database versions not stated): ESP Exome Variant Server 0.00015; gnomAD 0.00020 and 0.00064; TOPMed 0.00029; gnomAD exomes 0.00162; ExAC 0.00196; 1000 Genomes Project 30x 0.00234; 1000 Genomes Project 0.00300.
gnomAD v4.1: 1,578 of 1,613,950 alleles (0.098%); highest among the groups gnomAD compares: South Asian, 1.2%; 23 homozygotes.

Submissions (10):

CeGaT Center for Human Genetics Tuebingen
Classification: Benign. Last evaluated: 2026-08-01. Review status: criteria provided, single submitter. Criteria: CeGaT Center For Human Genetics Tuebingen Variant Classification Criteria Version 2. Collection method: clinical testing. Allele origin: germline. Affected: yes. Observed: 3 variant alleles.
Comment: USH2A: PM5, BP4, BS1, BS2

Labcorp Genetics (formerly Invitae), Labcorp
Classification: Benign. Last evaluated: 2026-01-31. Review status: criteria provided, single submitter. Criteria: Invitae Variant Classification Sherloc (09022015). Collection method: clinical testing. Allele origin: germline.

Blueprint Genetics
Classification: Likely benign. Last evaluated: 2024-10-25. Review status: criteria provided, single submitter. Criteria: ACMG Guidelines, 2015. Collection method: clinical testing. Allele origin: germline.

Genome-Nilou Lab
Classification: Benign for Retinitis pigmentosa 39. Last evaluated: 2023-11-04. Review status: criteria provided, single submitter. Criteria: ACMG Guidelines, 2015. Collection method: clinical testing. Allele origin: germline. Affected: no.

Genome-Nilou Lab
Classification: Benign for Usher syndrome type 2A. Last evaluated: 2023-11-04. Review status: criteria provided, single submitter. Criteria: ACMG Guidelines, 2015. Collection method: clinical testing. Allele origin: germline. Affected: no.

Mendelics
Classification: Benign for Usher syndrome type 2A. Last evaluated: 2019-05-28. Review status: criteria provided, single submitter. Criteria: Mendelics Assertion Criteria 2017. Collection method: clinical testing. Allele origin: unknown.

GeneDx
Classification: Benign. Last evaluated: 2019-03-12. Review status: criteria provided, single submitter. Criteria: GeneDx Variant Classification Process June 2021. Collection method: clinical testing. Allele origin: germline. Affected: yes.
Comment: This variant is associated with the following publications: (PMID: 22135276, 28281779, 25999674)

Laboratory for Molecular Medicine, Mass General Brigham Personalized Medicine
Classification: Benign. Last evaluated: 2017-12-14. Review status: criteria provided, single submitter. Criteria: LMM Criteria. Collection method: clinical testing. Allele origin: germline. Observed: 2 variant alleles.
Comment: p.Pro3504Ala in Exon 53 of USH2A: This variant has been reported as a `likely ne utral? variant in an Usher syndrome study based on either its presence in an aff ected individual who carried two other causative variants or because it did not segregate with disease (Le Quesne Stabej 2012). It was also identified in 1/878 (0.12%) control chromosomes by the same study (Le Quesne Stabej 2012), and in 1. 1% (348/30782) of South Asian chromosomes including 8 homozygotes by the Genome Aggregation Database (gnomAD; rs200372118). Th e proline (Pro) residue at position 3504 is not conserved in several species mam mals, with rat and mouse having an alanine (Ala), and computational tools (amino acid biochemical properties, SIFT, PolyPhen-2, AlignGVGD) do not suggest an imp act to the protein. In summary, this variant is not expected to have clinical si gnificance based on the conservation and computational data, and its presence in the general population.

Eurofins Ntd Llc (ga)
Classification: Benign. Last evaluated: 2016-10-24. Review status: criteria provided, single submitter. Criteria: EGL Classification Definitions 2015. Collection method: clinical testing. Allele origin: germline. Observed: 1 variant allele, 1 heterozygote.

Natera, Inc.
Classification: Benign for Usher syndrome type 2A. Last evaluated: 2019-12-16. Review status: no assertion criteria provided. Collection method: clinical testing. Allele origin: germline. Not counted in ClinVar's aggregate classification.

Literature cited by the submitters: PubMed 22135276 (cited by Laboratory for Molecular Medicine, Mass General Brigham Personalized Medicine).

NM_206933.4(USH2A):c.10510C>G (p.Pro3504Ala)

Gene: USH2A (usherin; minus strand). Cytogenetic location: 1q41.
Variant type: single nucleotide variant.
Coding change: c.10510C>G on transcript NM_206933.4 (MANE Select); coding-DNA position 10510, C replaced by G.
Protein change: p.Pro3504Ala; replaces proline 3504 with alanine.
Molecular consequence: missense variant.
Genome position (GRCh38, 1-based): chr1:215,782,813, G>C on the plus strand (C>G on the coding strand, the complement: USH2A is on the minus strand). VCF-style: chr1-215782813-G-C. GRCh37 (hg19) VCF-style: chr1-215956155-G-C.
Other names: short protein forms P3504A.
Identifiers: ClinVar variation 178577 (VCV000178577.49), dbSNP rs200372118, ClinGen allele CA182594.